The following is an entry in ClinVar:

NM_000285.4(PEPD):c.881C>T (p.Ala294Val)

Gene: PEPD (peptidase D; minus strand). Cytogenetic location: 19q13.11.
Variant type: single nucleotide variant.
Coding change: c.881C>T on transcript NM_000285.4 (MANE Select); coding-DNA position 881, C replaced by T.
Protein change: p.Ala294Val; replaces alanine 294 with valine.
Molecular consequence: missense variant.
Genome position (GRCh38, 1-based): chr19:33,401,807, G>A on the plus strand (C>T on the coding strand, the complement: PEPD is on the minus strand). VCF-style: chr19-33401807-G-A. GRCh37 (hg19) VCF-style: chr19-33892713-G-A.
Other names: c.689C>T, p.Ala230Val (NM_001166057.2); c.758C>T, p.Ala253Val (NM_001166056.2); short protein forms A230V, A253V, A294V.
Identifiers: ClinVar variation 2693301 (VCV002693301.3), dbSNP rs1402609939, ClinGen allele CA405224493.
Genomic context (GRCh38, chr19:33,401,807, plus strand): 5'-CGGGAGCTCCGCAGCACTGCCTCATAGACGGCCTTCTGGTCTGCAGTGAACTTGCCGTTG[G>A]CGGGAAAGGAGCAGGTGATGTCGGAAGCGAAGCAGTAATACTCACCGCCCATGTCGAACA-3'
Protein context (NP_000276.2, residues 284-304): FASDITCSFP[Ala294Val]NGKFTADQKA

ClinVar aggregate classification (germline): Uncertain significance (1 of 4 stars; one submission).

Allele frequency attached by ClinVar (database versions not stated): TOPMed below 0.00001; gnomAD 0.00001.
gnomAD v4.1: 3 of 1,613,052 alleles (0.00019%); highest among the groups gnomAD compares: Non-Finnish European, 0.000085%; no homozygotes.

Submission:

Labcorp Genetics (formerly Invitae), Labcorp
Classification: Uncertain significance. Last evaluated: 2023-10-13. Review status: criteria provided, single submitter. Criteria: Invitae Variant Classification Sherloc (09022015). Collection method: clinical testing. Allele origin: germline.
Comment: This sequence change replaces alanine, which is neutral and non-polar, with valine, which is neutral and non-polar, at codon 294 of the PEPD protein (p.Ala294Val). This variant is not present in population databases (gnomAD no frequency). This variant has not been reported in the literature in individuals affected with PEPD-related conditions. Advanced modeling of protein sequence and biophysical properties (such as structural, functional, and spatial information, amino acid conservation, physicochemical variation, residue mobility, and thermodynamic stability) performed at Invitae indicates that this missense variant is not expected to disrupt PEPD protein function. In summary, the available evidence is currently insufficient to determine the role of this variant in disease. Therefore, it has been classified as a Variant of Uncertain Significance.